The following is an entry in ClinVar:

NM_001267550.2(TTN):c.13769C>T (p.Thr4590Ile)

Gene: TTN (titin; minus strand). Cytogenetic location: 2q31.2.
Variant type: single nucleotide variant.
Coding change: c.13769C>T on transcript NM_001267550.2 (MANE Select); coding-DNA position 13769, C replaced by T.
Protein change: p.Thr4590Ile; replaces threonine 4590 with isoleucine.
Molecular consequence: missense variant. On other transcripts: intron variant (1).
Genome position (GRCh38, 1-based): chr2:178,739,464, G>A on the plus strand (C>T on the coding strand, the complement: TTN is on the minus strand). VCF-style: chr2-178739464-G-A. GRCh37 (hg19) VCF-style: chr2-179604191-G-A.
Other names: c.12818C>T, p.Thr4273Ile (NM_001256850.1); c.12680C>T, p.Thr4227Ile (NM_003319.4); c.13055C>T, p.Thr4352Ile (NM_133432.3); c.13256C>T, p.Thr4419Ile (NM_133437.4); c.10361-1104C>T (NM_133378.4); short protein forms T4419I, T4590I, T4273I, T4227I, T4352I.
Identifiers: ClinVar variation 4987651 (VCV004987651.1).

ClinVar aggregate classification (germline): Uncertain significance (1 of 4 stars; one submission).

Conditions:
TTN-related disorder. Also called: TTN-related disorders; TTN-related condition; TTN-related disease.

gnomAD v4.1: 14 of 1,613,550 alleles (0.00087%); highest among the groups gnomAD compares: Non-Finnish European, 0.001%; no homozygotes.

Submission:

PreventionGenetics, part of Exact Sciences
Classification: Uncertain significance for TTN-related condition. Last evaluated: 2025-07-28. Review status: criteria provided, single submitter. Criteria: ACMG Guidelines, 2015. Collection method: clinical testing. Allele origin: germline.
Comment: The TTN c.13769C>T variant is predicted to result in the amino acid substitution p.Thr4590Ile. To our knowledge, this variant has not been reported in the literature. This variant is reported in 0.0039% of alleles in individuals of European (Non-Finnish) descent in gnomAD. At this time, the clinical significance of this variant is uncertain due to the absence of conclusive functional and genetic evidence.